The following is an entry in ClinVar:

ClinVar aggregate classification (germline): Likely benign (1 of 4 stars; one submission).

Conditions:
ISL1-related disorder. Also called: ISL1-related condition.

Submission:

PreventionGenetics, part of Exact Sciences
Classification: Likely benign for ISL1-related condition. Last evaluated: 2025-01-08. Review status: criteria provided, single submitter. Criteria: ACMG Guidelines, 2015. Collection method: clinical testing. Allele origin: germline.
Comment: This variant is classified as likely benign based on ACMG/AMP sequence variant interpretation guidelines (Richards et al. 2015 PMID: 25741868, with internal and published modifications).

NM_002202.3(ISL1):c.429T>C (p.Ala143=)

Gene: ISL1 (ISL LIM homeobox 1; plus strand). Cytogenetic location: 5q11.1.
Variant type: single nucleotide variant.
Coding change: c.429T>C on transcript NM_002202.3 (MANE Select); coding-DNA position 429, T replaced by C.
Protein change: p.Ala143=; no amino-acid change (alanine 143 retained).
Molecular consequence: synonymous variant.
Genome position (GRCh38, 1-based): chr5:51,387,700, T>C. VCF-style: chr5-51387700-T-C. GRCh37 (hg19) VCF-style: chr5-50683534-T-C.
Identifiers: ClinVar variation 4977520 (VCV004977520.1).